The following is an entry in ClinVar:

ClinVar aggregate classification (germline): Likely benign (1 of 4 stars; one submission).

gnomAD v4.1: 2,816 of 1,614,140 alleles (0.17%); highest among the groups gnomAD compares: Middle Eastern, 1.2%; 9 homozygotes.

Submission:

CeGaT Center for Human Genetics Tuebingen
Classification: Likely benign. Last evaluated: 2026-04-01. Review status: criteria provided, single submitter. Criteria: CeGaT Center For Human Genetics Tuebingen Variant Classification Criteria Version 2. Collection method: clinical testing. Allele origin: germline. Affected: yes. Observed: 1 variant allele.
Comment: CMPK2: BS1

NM_207315.4(CMPK2):c.1262G>A (p.Gly421Asp)

Gene: CMPK2 (cytidine/uridine monophosphate kinase 2; minus strand). Cytogenetic location: 2p25.2.
Variant type: single nucleotide variant.
Coding change: c.1262G>A on transcript NM_207315.4 (MANE Select); coding-DNA position 1262, G replaced by A.
Protein change: p.Gly421Asp; replaces glycine 421 with aspartic acid.
Molecular consequence: missense variant. On other transcripts: non-coding transcript variant (1), intron variant (1).
Genome position (GRCh38, 1-based): chr2:6,849,938, C>T on the plus strand (G>A on the coding strand, the complement: CMPK2 is on the minus strand). VCF-style: chr2-6849938-C-T. GRCh37 (hg19) VCF-style: chr2-6990069-C-T.
Other names: p.(Gly421Asp); c.993-9260G>A (NM_001256478.1); short protein forms G421D.
Identifiers: ClinVar variation 4857148 (VCV004857148.2).
Genomic context (GRCh38, chr2:6,849,938, plus strand): 5'-AGGCTTAATACCGTCTGCAGGACCTTTTCTCTGGAGGGGCTGGCATCAACCACATGGCAG[C>T]CAGGATTCTCCATCCGCTGGTAGGACATTTCTACCCTGGGGACAGGCAAAACACAAAGAG-3'
Protein context (NP_997198.2, residues 411-431): EMSYQRMENP[Gly421Asp]CHVVDASPSR